The following is an entry in ClinVar:

NM_000038.6(APC):c.4130_4135del (p.Val1377_Gln1378del)

Gene: APC (APC regulator of Wnt signaling pathway; plus strand). Cytogenetic location: 5q22.2.
Variant type: Deletion.
Coding change: c.4130_4135del on transcript NM_000038.6 (MANE Select); coding-DNA positions 4130 to 4135, 6 bases deleted (TTCAGG; older notation c.4130_4135delTTCAGG).
Protein change: p.Val1377_Gln1378del.
Molecular consequence: inframe deletion.
Genome position (GRCh38, 1-based): chr5:112,839,724-112,839,729, TTCAGG deleted; deleting any 6 consecutive bases within chr5:112,839,723-112,839,729 gives the same sequence; the c. name uses the placement nearest the transcript's 3' end. VCF-style (leftmost placement, unchanged base first): chr5-112839722-TGTTCAG-T. GRCh37 (hg19) VCF-style: chr5-112175419-TGTTCAG-T.
Other names: c.4130_4135del, p.Val1377_Gln1378del (NM_001127510.3, NM_001354895.2); c.4076_4081del, p.Val1359_Gln1360del (NM_001127511.3); c.4184_4189del, p.Val1395_Gln1396del (NM_001354896.2); c.4160_4165del, p.Val1387_Gln1388del (NM_001354897.2); c.4055_4060del, p.Val1352_Gln1353del (NM_001354898.2); c.4046_4051del, p.Val1349_Gln1350del (NM_001354899.2); c.4007_4012del, p.Val1336_Gln1337del (NM_001354900.2); c.3953_3958del, p.Val1318_Gln1319del (NM_001354901.2); and 5 more.
Identifiers: ClinVar variation 952679 (VCV000952679.12), dbSNP rs1765611502, ClinGen allele CA1139659011.

ClinVar aggregate classification (germline): Uncertain significance. Review status: criteria provided, multiple submitters, no conflicts (2 of 4 stars). 2 submissions from 2 submitters: Uncertain significance (2). Last evaluated 2024-02-22.

Conditions:
Familial adenomatous polyposis 1 (FAP1). Also called: POLYPOSIS, ADENOMATOUS INTESTINAL; FAMILIAL ADENOMATOUS POLYPOSIS 1, ATTENUATED. Identifiers: MedGen C2713442, MONDO:0021056, OMIM 175100. Disease mechanism: loss of function.
Classic or attenuated familial adenomatous polyposis. Identifiers: MedGen CN372698, MONDO:0021057.

Submissions (2):

All of Us Research Program, National Institutes of Health
Classification: Uncertain significance for Classic or attenuated familial adenomatous polyposis. Last evaluated: 2024-02-22. Review status: criteria provided, single submitter. Criteria: ACMG Guidelines, 2015. Collection method: clinical testing. Allele origin: germline. Inheritance: Autosomal dominant inheritance. Observed: 1 variant allele, 1 heterozygote.
Comment: This variant causes an in-frame deletion of two amino acids of the APC protein. To our knowledge, functional studies have not been reported for this variant. This variant has not been reported in individuals affected with APC-related disorders in the literature. This variant has not been identified in the general population by the Genome Aggregation Database (gnomAD). The available evidence is insufficient to determine the role of this variant in disease conclusively. Therefore, this variant is classified as a Variant of Uncertain Significance.

This study involves interpretation of variants in research participants for the purpose of population health screening. Participant phenotype was not available at the time of variant classification. Additional details can be found in publication PMID: 35346344, PMCID: PMC8962531

Labcorp Genetics (formerly Invitae), Labcorp
Classification: Uncertain significance for Familial adenomatous polyposis 1. Last evaluated: 2023-10-03. Review status: criteria provided, single submitter. Criteria: Invitae Variant Classification Sherloc (09022015). Collection method: clinical testing. Allele origin: germline.
Comment: This variant, c.4130_4135del, results in the deletion of 2 amino acid(s) of the APC protein (p.Val1377_Gln1378del), but otherwise preserves the integrity of the reading frame. This variant is not present in population databases (gnomAD no frequency). This variant has not been reported in the literature in individuals affected with APC-related conditions. ClinVar contains an entry for this variant (Variation ID: 952679). Experimental studies and prediction algorithms are not available or were not evaluated, and the functional significance of this variant is currently unknown. In summary, the available evidence is currently insufficient to determine the role of this variant in disease. Therefore, it has been classified as a Variant of Uncertain Significance.